The following is an entry in ClinVar:

ClinVar aggregate classification (germline): Uncertain significance (1 of 4 stars; one submission).

Submission:

Labcorp Genetics (formerly Invitae), Labcorp
Classification: Uncertain significance. Last evaluated: 2025-07-03. Review status: criteria provided, single submitter. Criteria: Invitae Variant Classification Sherloc (09022015). Collection method: clinical testing. Allele origin: germline.
Comment: This sequence change replaces leucine, which is neutral and non-polar, with arginine, which is basic and polar, at codon 416 of the HK1 protein (p.Leu416Arg). This variant is not present in population databases (gnomAD no frequency). This variant has not been reported in the literature in individuals affected with HK1-related conditions. Invitae Evidence Modeling of protein sequence and biophysical properties (such as structural, functional, and spatial information, amino acid conservation, physicochemical variation, residue mobility, and thermodynamic stability) indicates that this missense variant is not expected to disrupt HK1 protein function with a negative predictive value of 80%. In summary, the available evidence is currently insufficient to determine the role of this variant in disease. Therefore, it has been classified as a Variant of Uncertain Significance.

NM_000188.3(HK1):c.1247T>G (p.Leu416Arg)

Gene: HK1 (hexokinase 1; plus strand). Cytogenetic location: 10q22.1.
Variant type: single nucleotide variant.
Coding change: c.1247T>G on transcript NM_000188.3 (MANE Select); coding-DNA position 1247, T replaced by G.
Protein change: p.Leu416Arg; replaces leucine 416 with arginine.
Molecular consequence: missense variant. On other transcripts: non-coding transcript variant (2), intron variant (1).
Genome position (GRCh38, 1-based): chr10:69,380,077, T>G. VCF-style: chr10-69380077-T-G. GRCh37 (hg19) VCF-style: chr10-71139833-T-G.
Other names: c.1259T>G, p.Leu420Arg (NM_001322364.2, NM_001358263.1, NM_033497.3 and 1 more transcripts); c.1352T>G, p.Leu451Arg (NM_001322365.2); c.1163T>G, p.Leu388Arg (NM_001322366.1, NM_001441143.1); c.1151T>G, p.Leu384Arg (NM_001322367.1); c.1247T>G, p.Leu416Arg (NM_001441139.1, NM_001441141.1, NM_001441145.1 and 2 more transcripts); c.1238T>G, p.Leu413Arg (NM_001441140.1); c.1205T>G, p.Leu402Arg (NM_001441142.1); c.1127T>G, p.Leu376Arg (NM_001441144.1); and 8 more; short protein forms L178R, L203R, L404R, L415R, L420R, L80R, L294R, L376R.
Identifiers: ClinVar variation 4741601 (VCV004741601.1).